The following is an entry in ClinVar:

ClinVar aggregate classification (germline): Likely benign. Review status: criteria provided, multiple submitters, no conflicts (2 of 4 stars). 2 submissions from 2 submitters: Likely benign (2). Last evaluated 2025-04-10.

gnomAD v4.1: 9 of 1,611,204 alleles (0.00056%); highest among the groups gnomAD compares: Middle Eastern, 0.13%; no homozygotes.

Submissions (2):

Mayo Clinic Laboratories, Mayo Clinic
Classification: Likely benign. Last evaluated: 2025-04-10. Review status: criteria provided, single submitter. Criteria: ACMG Guidelines, 2015. Collection method: clinical testing. Allele origin: germline. Observed: 1 variant allele.
Comment: BS1, BP4, BP7

Blueprint Genetics
Classification: Likely benign. Last evaluated: 2022-07-08. Review status: criteria provided, single submitter. Criteria: ACMG Guidelines, 2015. Collection method: clinical testing. Allele origin: germline.

NM_004977.3(KCNC3):c.498G>C (p.Leu166=)

Gene: KCNC3 (potassium voltage-gated channel subfamily C member 3; minus strand). Cytogenetic location: 19q13.33.
Variant type: single nucleotide variant.
Coding change: c.498G>C on transcript NM_004977.3 (MANE Select); coding-DNA position 498, G replaced by C.
Protein change: p.Leu166=; no amino-acid change (leucine 166 retained).
Molecular consequence: synonymous variant.
Genome position (GRCh38, 1-based): chr19:50,328,585, C>G on the plus strand (G>C on the coding strand, the complement: KCNC3 is on the minus strand). VCF-style: chr19-50328585-C-G. GRCh37 (hg19) VCF-style: chr19-50831842-C-G.
Other names: p.Leu166=; c.270G>C, p.Leu90= (NM_001372305.1).
Identifiers: ClinVar variation 4684397 (VCV004684397.2).